The following is an entry in ClinVar:

ClinVar aggregate classification (germline): Uncertain significance (1 of 4 stars; one submission).

Conditions:
Short-rib thoracic dysplasia 6 with or without polydactyly (SRTD6). Also called: SHORT-RIB THORACIC DYSPLASIA 6 WITH POLYDACTYLY; SHORT-RIB THORACIC DYSPLASIA 6 WITHOUT POLYDACTYLY; Majewski Syndrome; SHORT RIB-POLYDACTYLY SYNDROME, TYPE IIA; POLYDACTYLY WITH NEONATAL CHONDRODYSTROPHY, TYPE II. Identifiers: MedGen C0024507, MONDO:0009894, OMIM 263520.

Allele frequency attached by ClinVar (database versions not stated): ExAC 0.00001; gnomAD exomes 0.00001.
gnomAD v4.1: 12 of 1,607,838 alleles (0.00075%); highest among the groups gnomAD compares: East Asian, 0.016%; no homozygotes.

Submission:

Labcorp Genetics (formerly Invitae), Labcorp
Classification: Uncertain significance for Short-rib thoracic dysplasia 6 with or without polydactyly. Last evaluated: 2023-06-28. Review status: criteria provided, single submitter. Criteria: Invitae Variant Classification Sherloc (09022015). Collection method: clinical testing. Allele origin: germline.
Comment: In summary, the available evidence is currently insufficient to determine the role of this variant in disease. Therefore, it has been classified as a Variant of Uncertain Significance. Variants that disrupt the consensus splice site are a relatively common cause of aberrant splicing (PMID: 17576681, 9536098). Algorithms developed to predict the effect of sequence changes on RNA splicing suggest that this variant is not likely to affect RNA splicing. This variant has not been reported in the literature in individuals affected with NEK1-related conditions. The frequency data for this variant in the population databases is considered unreliable, as metrics indicate poor data quality at this position in the gnomAD database. This sequence change falls in intron 20 of the NEK1 gene. It does not directly change the encoded amino acid sequence of the NEK1 protein. It affects a nucleotide within the consensus splice site.

Literature cited by the submitters: PubMed 17576681; PubMed 9536098.

NM_001199397.3(NEK1):c.1911+6G>C

Gene: NEK1 (NIMA related kinase 1; minus strand). Cytogenetic location: 4q33.
Variant type: single nucleotide variant.
Coding change: c.1911+6G>C on transcript NM_001199397.3 (MANE Select); 6 bases into the intron after coding-DNA position 1911, G replaced by C.
Molecular consequence: intron variant.
Genome position (GRCh38, 1-based): chr4:169,507,709, C>G on the plus strand (G>C on the coding strand, the complement: NEK1 is on the minus strand). VCF-style: chr4-169507709-C-G. GRCh37 (hg19) VCF-style: chr4-170428860-C-G.
Other names: c.1701+6G>C (NM_001374421.1); c.1776+6G>C (NM_001374420.1); c.1620+6G>C (NM_001199399.3); c.1779+6G>C (NM_001199398.3); c.1827+6G>C (NM_001374419.1, NM_012224.4); c.1695+6G>C (NM_001199400.3); c.1911+6G>C (NM_001374418.1).
Identifiers: ClinVar variation 2872386 (VCV002872386.3), dbSNP rs768728590, ClinGen allele CA3137586.